The following is an entry in ClinVar:

ClinVar aggregate classification (germline): Likely benign. Review status: criteria provided, single submitter (1 of 4 stars). 2 submissions from 2 submitters: Likely benign (1). 1 of the submissions does not count toward it. Last evaluated 2025-10-11.

Conditions:
IL12RB2-related disorder. Also called: IL12RB2-related condition.

Allele frequency attached by ClinVar (database versions not stated): gnomAD exomes 0.00001 and 0.00002; ExAC 0.00002; gnomAD 0.00002; TOPMed 0.00002.
gnomAD v4.1: 36 of 1,612,056 alleles (0.0022%); highest among the groups gnomAD compares: South Asian, 0.0055%; no homozygotes.

Submissions (2):

Labcorp Genetics (formerly Invitae), Labcorp
Classification: Likely benign. Last evaluated: 2025-10-11. Review status: criteria provided, single submitter. Criteria: Invitae Variant Classification Sherloc (09022015). Collection method: clinical testing. Allele origin: germline.

PreventionGenetics, part of Exact Sciences
Classification: Likely benign for IL12RB2-related condition. Last evaluated: 2019-03-22. Review status: no assertion criteria provided. Collection method: clinical testing. Allele origin: germline. Not counted in ClinVar's aggregate classification.
Comment: This variant is classified as likely benign based on ACMG/AMP sequence variant interpretation guidelines (Richards et al. 2015 PMID: 25741868, with internal and published modifications).

NM_001374259.2(IL12RB2):c.2325C>T (p.Ser775=)

Gene: IL12RB2 (interleukin 12 receptor subunit beta 2; plus strand). Cytogenetic location: 1p31.3.
Variant type: single nucleotide variant.
Coding change: c.2325C>T on transcript NM_001374259.2 (MANE Select); coding-DNA position 2325, C replaced by T.
Protein change: p.Ser775=; no amino-acid change (serine 775 retained).
Molecular consequence: synonymous variant. On other transcripts: 3 prime UTR variant (3), non-coding transcript variant (2).
Genome position (GRCh38, 1-based): chr1:67,395,825, C>T. VCF-style: chr1-67395825-C-T. GRCh37 (hg19) VCF-style: chr1-67861508-C-T.
Other names: c.2325C>T (NM_001559.2); c.*245C>T (NM_001258214.1, NM_001319233.1); c.2067C>T, p.Ser689= (NM_001258215.1); c.*226C>T (NM_001258216.1); c.2325C>T, p.Ser775= (NM_001559.3).
Identifiers: ClinVar variation 1662008 (VCV001662008.10), dbSNP rs769052274, ClinGen allele CA900708.